The following is an entry in ClinVar:

NM_001378615.1(CC2D2A):c.3829T>C (p.Cys1277Arg)

Genes: CC2D2A (coiled-coil and C2 domain containing 2A; plus strand), FBXL5 (F-box and leucine rich repeat protein 5; minus strand). Cytogenetic location: 4p15.32.
Variant type: single nucleotide variant.
Coding change: c.3829T>C on transcript NM_001378615.1 (MANE Select); coding-DNA position 3829, T replaced by C.
Protein change: p.Cys1277Arg; replaces cysteine 1277 with arginine.
Molecular consequence: missense variant.
Genome position (GRCh38, 1-based): chr4:15,580,025, T>C. VCF-style: chr4-15580025-T-C. GRCh37 (hg19) VCF-style: chr4-15581648-T-C.
Other names: c.3829T>C, p.Cys1277Arg (NM_001080522.2); c.3682T>C, p.Cys1228Arg (NM_001378617.1); short protein forms C1228R, C1277R.
Identifiers: ClinVar variation 3366747 (VCV003366747.1).
Genomic context (GRCh38, chr4:15,580,025, plus strand): 5'-AAGTTTGAGTCTCAGGAAGATGAGAAATTACTTCAAGCAACTGAGAAGTTTCAAGCTGAA[T>C]GTGCCTTAAAGTTTCCAAATCGTCAGTGCCTTACAACAGTAATTGATATAAGCGGAAAAA-3'
Protein context (NP_001365544.1, residues 1267-1287): LQATEKFQAE[Cys1277Arg]ALKFPNRQCL

ClinVar aggregate classification (germline): Uncertain significance (1 of 4 stars; one submission).

Submission:

Women's Health and Genetics/Laboratory Corporation of America, LabCorp
Classification: Uncertain significance. Last evaluated: 2024-08-30. Review status: criteria provided, single submitter. Criteria: LabCorp Variant Classification Summary - May 2015. Collection method: clinical testing. Allele origin: germline.
Comment: Variant summary: CC2D2A c.3829T>C (p.Cys1277Arg) results in a non-conservative amino acid change in the encoded protein sequence. Five of five in-silico tools predict a damaging effect of the variant on protein function. The variant was absent in 249084 control chromosomes. The available data on variant occurrences in the general population are insufficient to allow any conclusion about variant significance. c.3829T>C has been reported in the literature in one individual possibly affected with Joubert syndrome (Yang_2022). These report(s) do not provide unequivocal conclusions about association of the variant with CC2D2A-Related Disorders. To our knowledge, no experimental evidence demonstrating an impact on protein function has been reported. The following publication have been ascertained in the context of this evaluation (PMID: 35562572). No submitters have cited clinical-significance assessments for this variant to ClinVar. Based on the evidence outlined above, the variant was classified as uncertain significance.

Literature cited by the submitters: PubMed 35562572.